The following is an entry in ClinVar:

ClinVar aggregate classification (germline): Pathogenic (1 of 4 stars; one submission).

Conditions:
Arrhythmogenic cardiomyopathy with wooly hair and keratoderma. Also called: PALMOPLANTAR KERATODERMA WITH LEFT VENTRICULAR CARDIOMYOPATHY AND WOOLLY HAIR; Carvajal syndrome; Dilated cardiomyopathy with woolly hair and keratoderma; Arrhythmogenic cardiomyopathy with woolly hair and keratoderma. Identifiers: Orphanet 65282, MedGen C1854063, MONDO:0011581, OMIM 605676.
Arrhythmogenic right ventricular dysplasia 8 (ARVD8). Also called: ARRHYTHMOGENIC RIGHT VENTRICULAR DYSPLASIA, FAMILIAL, 8; Arrhythmogenic Right Ventricular Dysplasia/Cardiomyopathy 8; ARRHYTHMOGENIC RIGHT VENTRICULAR CARDIOMYOPATHY 8. Identifiers: MedGen C1843896, MONDO:0011831, OMIM 607450.

Submission:

Labcorp Genetics (formerly Invitae), Labcorp
Classification: Pathogenic for Arrhythmogenic cardiomyopathy with wooly hair and keratoderma; Arrhythmogenic right ventricular dysplasia 8. Last evaluated: 2024-09-18. Review status: criteria provided, single submitter. Criteria: Invitae Variant Classification Sherloc (09022015). Collection method: clinical testing. Allele origin: germline.
Comment: This sequence change creates a premature translational stop signal (p.Gln234*) in the DSP gene. It is expected to result in an absent or disrupted protein product. Loss-of-function variants in DSP are known to be pathogenic (PMID: 20716751, 24503780, 25227139). This variant is not present in population databases (gnomAD no frequency). This variant has not been reported in the literature in individuals affected with DSP-related conditions. ClinVar contains an entry for this variant (Variation ID: 836494). For these reasons, this variant has been classified as Pathogenic.

Literature cited by the submitters: PubMed 20716751; PubMed 24503780; PubMed 25227139.

NM_004415.4(DSP):c.700C>T (p.Gln234Ter)

Gene: DSP (desmoplakin; plus strand). Cytogenetic location: 6p24.3.
Variant type: single nucleotide variant.
Coding change: c.700C>T on transcript NM_004415.4 (MANE Select); coding-DNA position 700, C replaced by T.
Protein change: p.Gln234Ter; replaces glutamine 234 with a stop codon.
Molecular consequence: nonsense.
Genome position (GRCh38, 1-based): chr6:7,562,754, C>T. VCF-style: chr6-7562754-C-T. GRCh37 (hg19) VCF-style: chr6-7562987-C-T.
Other names: c.700C>T, p.Gln234Ter (NM_001008844.3, NM_001319034.2); short protein forms Q234*.
Identifiers: ClinVar variation 836494 (VCV000836494.8), dbSNP rs1758740270, ClinGen allele CA362673580.